The following is an entry in ClinVar:

ClinVar aggregate classification (germline): Uncertain significance. Review status: criteria provided, multiple submitters, no conflicts (2 of 4 stars). 2 submissions from 2 submitters: Uncertain significance (2). Last evaluated 2024-12-05.

Conditions:
Inborn genetic diseases. Identifiers: MedGen C0950123, MeSH D030342.
2-aminoadipic 2-oxoadipic aciduria (AAKAD). Also called: ALPHA-AMINOADIPIC AND ALPHA-KETOADIPIC ACIDURIA; Aminoadipic aciduria. Identifiers: Orphanet 79154, MedGen C1859817, MONDO:0008774, OMIM 204750.

Allele frequency attached by ClinVar (database versions not stated): ExAC 0.00002; gnomAD exomes 0.00002; TOPMed 0.00002; gnomAD 0.00003.
gnomAD v4.1: 40 of 1,614,082 alleles (0.0025%); highest among the groups gnomAD compares: Middle Eastern, 0.033%; no homozygotes.

Submissions (2):

Labcorp Genetics (formerly Invitae), Labcorp
Classification: Uncertain significance for 2-aminoadipic 2-oxoadipic aciduria. Last evaluated: 2024-12-05. Review status: criteria provided, single submitter. Criteria: Invitae Variant Classification Sherloc (09022015). Collection method: clinical testing. Allele origin: germline.
Comment: This sequence change replaces asparagine, which is neutral and polar, with serine, which is neutral and polar, at codon 670 of the DHTKD1 protein (p.Asn670Ser). This variant is present in population databases (rs762399216, gnomAD 0.006%). This missense change has been observed in individual(s) with clinical features of Charcot-Marie-Tooth disease (PMID: 33369814). ClinVar contains an entry for this variant (Variation ID: 2182988). Invitae Evidence Modeling of protein sequence and biophysical properties (such as structural, functional, and spatial information, amino acid conservation, physicochemical variation, residue mobility, and thermodynamic stability) indicates that this missense variant is expected to disrupt DHTKD1 protein function with a positive predictive value of 80%. In summary, the available evidence is currently insufficient to determine the role of this variant in disease. Therefore, it has been classified as a Variant of Uncertain Significance.

Ambry Genetics
Classification: Uncertain significance for Inborn genetic diseases. Last evaluated: 2021-08-23. Review status: criteria provided, single submitter. Criteria: Ambry Variant Classification Scheme 2023. Collection method: clinical testing. Allele origin: germline.

Literature cited by the submitters: PubMed 33369814 (cited by Labcorp Genetics (formerly Invitae), Labcorp).

NM_018706.7(DHTKD1):c.2009A>G (p.Asn670Ser)

Gene: DHTKD1 (dehydrogenase E1 and transketolase domain containing 1; plus strand). Cytogenetic location: 10p14.
Variant type: single nucleotide variant.
Coding change: c.2009A>G on transcript NM_018706.7 (MANE Select); coding-DNA position 2009, A replaced by G.
Protein change: p.Asn670Ser; replaces asparagine 670 with serine.
Molecular consequence: missense variant.
Genome position (GRCh38, 1-based): chr10:12,106,358, A>G. VCF-style: chr10-12106358-A-G. GRCh37 (hg19) VCF-style: chr10-12148357-A-G.
Other names: c.2009A>G (NM_018706.5); short protein forms N670S.
Identifiers: ClinVar variation 2182988 (VCV002182988.5), dbSNP rs762399216, ClinGen allele CA5408094.